The following is an entry in ClinVar:

NM_002049.4(GATA1):c.338G>A (p.Arg113His)

Gene: GATA1 (GATA binding protein 1; plus strand). Cytogenetic location: Xp11.23.
Variant type: single nucleotide variant.
Coding change: c.338G>A on transcript NM_002049.4 (MANE Select); coding-DNA position 338, G replaced by A.
Protein change: p.Arg113His; replaces arginine 113 with histidine.
Molecular consequence: missense variant.
Genome position (GRCh38, 1-based): chrX:48,791,961, G>A. VCF-style: chrX-48791961-G-A. GRCh37 (hg19) VCF-style: chrX-48650368-G-A.
Other names: short protein forms R113H.
Identifiers: ClinVar variation 2033904 (VCV002033904.29), dbSNP rs782208453, ClinGen allele CA10404590.

ClinVar aggregate classification (germline): Conflicting classifications of pathogenicity. Review status: criteria provided, conflicting classifications (1 of 4 stars). 2 submissions from 2 submitters: Uncertain significance (1); Benign (1). Last evaluated 2024-12-19.

Conditions:
Diamond-Blackfan anemia. Also called: Blackfan Diamond syndrome; Aregenerative anemia chronic congenital; Red cell aplasia, pure hereditary; Congenital hypoplastic anemia; Aase syndrome. Identifiers: Orphanet 124, MedGen C1260899, MeSH D029503, MONDO:0015253, HP:0004810.
GATA binding protein 1 related thrombocytopenia with dyserythropoiesis. Also called: GATA1-Related X-Linked Cytopenia; GATA1-Related Cytopenia. Identifiers: MedGen C1845837, MONDO:0100089.

gnomAD v4.1: 22 of 1,209,913 alleles (0.0018%); highest among the groups gnomAD compares: Admixed American, 0.0087%; no homozygotes.

Submissions (2):

Labcorp Genetics (formerly Invitae), Labcorp
Classification: Benign for GATA binding protein 1 related thrombocytopenia with dyserythropoiesis; Diamond-Blackfan anemia. Last evaluated: 2024-12-19. Review status: criteria provided, single submitter. Criteria: Invitae Variant Classification Sherloc (09022015). Collection method: clinical testing. Allele origin: germline.

CeGaT Center for Human Genetics Tuebingen
Classification: Uncertain significance. Last evaluated: 2023-07-01. Review status: criteria provided, single submitter. Criteria: CeGaT Center For Human Genetics Tuebingen Variant Classification Criteria Version 2. Collection method: clinical testing. Allele origin: germline. Affected: yes. Observed: 1 variant allele.
Comment: GATA1: PM2